The following is an entry in ClinVar:

ClinVar aggregate classification (germline): Likely benign. Review status: criteria provided, multiple submitters, no conflicts (2 of 4 stars). 7 submissions from 7 submitters: Likely benign (7). Last evaluated 2026-02-02.

Conditions:
Familial thoracic aortic aneurysm and aortic dissection (TAAD). Also called: Thoracic aortic aneurysms and dissections. Identifiers: Orphanet 91387, MedGen C4707243, MONDO:0019625.
Marfan syndrome (MFS). Also called: Marfan syndrome type 1; Marfan syndrome, classic; Marfan's syndrome; FBN1-Related Marfan Syndrome; MARFAN SYNDROME, TYPE I. Identifiers: Orphanet 284963, Orphanet 558, MedGen C0024796, MONDO:0007947, OMIM 154700.
Connective tissue disorder. Also called: Connective tissue disease. Identifiers: MedGen C0009782, MONDO:0003900.

Allele frequency attached by ClinVar (database versions not stated): gnomAD 0.00002; TOPMed 0.00005.
gnomAD v4.1: 53 of 1,613,984 alleles (0.0033%); highest among the groups gnomAD compares: African/African-American, 0.0053%; no homozygotes.

Submissions (7):

Labcorp Genetics (formerly Invitae), Labcorp
Classification: Likely benign for Marfan syndrome; Familial thoracic aortic aneurysm and aortic dissection. Last evaluated: 2026-02-02. Review status: criteria provided, single submitter. Criteria: Invitae Variant Classification Sherloc (09022015). Collection method: clinical testing. Allele origin: germline.

Women's Health and Genetics/Laboratory Corporation of America, LabCorp
Classification: Likely benign. Last evaluated: 2024-12-06. Review status: criteria provided, single submitter. Criteria: LabCorp Variant Classification Summary - May 2015. Collection method: clinical testing. Allele origin: germline.

All of Us Research Program, National Institutes of Health
Classification: Likely benign for Marfan syndrome. Last evaluated: 2023-10-27. Review status: criteria provided, single submitter. Criteria: ACMG Guidelines, 2015. Collection method: clinical testing. Allele origin: germline. Inheritance: Autosomal dominant inheritance. Observed: 7 variant alleles, 7 heterozygotes.
Comment: This study involves interpretation of variants in research participants for the purpose of population health screening. Participant phenotype was not available at the time of variant classification. Additional details can be found in publication PMID: 35346344, PMCID: PMC8962531

Ambry Genetics
Classification: Likely benign for Familial thoracic aortic aneurysm and aortic dissection. Last evaluated: 2023-09-30. Review status: criteria provided, single submitter. Criteria: Ambry Variant Classification Scheme 2023. Collection method: clinical testing. Allele origin: germline.

GeneDx
Classification: Likely benign. Last evaluated: 2020-07-30. Review status: criteria provided, single submitter. Criteria: GeneDx Variant Classification Process June 2021. Collection method: clinical testing. Allele origin: germline. Affected: yes.

Color Diagnostics, LLC DBA Color Health
Classification: Likely benign for Familial thoracic aortic aneurysm and aortic dissection. Last evaluated: 2018-11-08. Review status: criteria provided, single submitter. Criteria: ACMG Guidelines, 2015. Collection method: clinical testing. Allele origin: germline.

Center for Human Genetics, Inc
Classification: Likely benign for Connective tissue disorder. Last evaluated: 2016-11-01. Review status: criteria provided, single submitter. Criteria: ACMG Guidelines, 2015. Collection method: clinical testing. Allele origin: germline. Affected: yes.

NM_000138.5(FBN1):c.2949C>T (p.Ser983=)

Gene: FBN1 (fibrillin 1; minus strand). Cytogenetic location: 15q21.1.
Variant type: single nucleotide variant.
Coding change: c.2949C>T on transcript NM_000138.5 (MANE Select); coding-DNA position 2949, C replaced by T.
Protein change: p.Ser983=; no amino-acid change (serine 983 retained).
Molecular consequence: synonymous variant.
Genome position (GRCh38, 1-based): chr15:48,489,984, G>A on the plus strand (C>T on the coding strand, the complement: FBN1 is on the minus strand). VCF-style: chr15-48489984-G-A. GRCh37 (hg19) VCF-style: chr15-48782181-G-A.
Identifiers: ClinVar variation 547306 (VCV000547306.18), dbSNP rs769307676, ClinGen allele CA049465.